The following is an entry in ClinVar:

ClinVar aggregate classification (germline): Conflicting classifications of pathogenicity. Review status: criteria provided, conflicting classifications (1 of 4 stars). 7 submissions from 7 submitters: Uncertain significance (5); Likely benign (1). 1 of the submissions does not count toward it. Last evaluated 2026-08-26.

Conditions:
VPS13B-related disorder. Also called: VPS13B-related condition.
Inborn genetic diseases. Identifiers: MedGen C0950123, MeSH D030342.
Cohen syndrome (COH1). Also called: PEPPER SYNDROME; Cutis verticis gyrata, retinitis pigmentosa, and sensorineural deafness. Identifiers: Orphanet 193, MedGen C0265223, MONDO:0008999, OMIM 216550.

Allele frequency attached by ClinVar (database versions not stated): gnomAD exomes 0.00003 and 0.00007; ExAC 0.00013; 1000 Genomes Project 30x 0.00016; 1000 Genomes Project 0.00020; ESP Exome Variant Server 0.00023; gnomAD 0.00027 and 0.00030; TOPMed 0.00029.
gnomAD v4.1: 78 of 1,601,096 alleles (0.0049%); highest among the groups gnomAD compares: African/African-American, 0.097%; no homozygotes.

Submissions (7):

PreventionGenetics, part of Exact Sciences
Classification: Uncertain significance for VPS13B-related condition. Last evaluated: 2026-08-26. Review status: criteria provided, single submitter. Criteria: ACMG Guidelines, 2015. Collection method: clinical testing. Allele origin: germline.
Comment: The VPS13B c.11114A>T variant is predicted to result in the amino acid substitution p.Glu3705Val. To our knowledge, this variant has not been reported in the literature. This variant is reported in 0.12% of alleles in individuals of African descent in gnomAD, which is likely too common for an undocumented disease-causing variant. Although we suspect that this variant may be benign, at this time, the clinical significance of this variant is uncertain due to the absence of conclusive functional and genetic evidence.

Labcorp Genetics (formerly Invitae), Labcorp
Classification: Likely benign for Cohen syndrome. Last evaluated: 2026-01-25. Review status: criteria provided, single submitter. Criteria: Invitae Variant Classification Sherloc (09022015). Collection method: clinical testing. Allele origin: germline.

Ambry Genetics
Classification: Uncertain significance for Inborn genetic diseases. Last evaluated: 2025-06-27. Review status: criteria provided, single submitter. Criteria: Ambry Variant Classification Scheme 2023. Collection method: clinical testing. Allele origin: germline.

Blueprint Genetics
Classification: Uncertain significance. Last evaluated: 2024-11-27. Review status: criteria provided, single submitter. Criteria: ACMG Guidelines, 2015. Collection method: clinical testing. Allele origin: germline.

GeneDx
Classification: Uncertain significance. Last evaluated: 2022-04-29. Review status: criteria provided, single submitter. Criteria: GeneDx Variant Classification Process June 2021. Collection method: clinical testing. Allele origin: germline. Affected: yes.
Comment: In silico analysis supports that this missense variant has a deleterious effect on protein structure/function; Has not been previously published as pathogenic or benign to our knowledge

Genetic Services Laboratory, University of Chicago
Classification: Uncertain significance. Last evaluated: 2016-04-25. Review status: criteria provided, single submitter. Criteria: ACMG Guidelines, 2015. Collection method: clinical testing. Allele origin: germline. Affected: no.

Natera, Inc.
Classification: Uncertain significance for Cohen syndrome. Last evaluated: 2019-11-11. Review status: no assertion criteria provided. Collection method: clinical testing. Allele origin: germline. Not counted in ClinVar's aggregate classification.

NM_152564.5(VPS13B):c.11114A>T (p.Glu3705Val)

Gene: VPS13B (vacuolar protein sorting 13 homolog B; plus strand). Cytogenetic location: 8q22.2.
Variant type: single nucleotide variant.
Coding change: c.11114A>T on transcript NM_152564.5 (MANE Select); coding-DNA position 11114, A replaced by T.
Protein change: p.Glu3705Val; replaces glutamic acid 3705 with valine.
Molecular consequence: missense variant.
Genome position (GRCh38, 1-based): chr8:99,861,845, A>T. VCF-style: chr8-99861845-A-T. GRCh37 (hg19) VCF-style: chr8-100874073-A-T.
Other names: c.11189A>T, p.Glu3730Val (NM_017890.5); c.11189A>T (NM_017890.3); c.11114A>T (NM_152564.4); short protein forms E3705V, E3730V.
Identifiers: ClinVar variation 437258 (VCV000437258.24), dbSNP rs376308074, ClinGen allele CA4825147.